The following is an entry in ClinVar:

ClinVar aggregate classification (germline): Uncertain significance (1 of 4 stars; one submission).

Conditions:
Atrial fibrillation, familial, 18 (ATFB18). Identifiers: MedGen C4310636, MONDO:0015001, OMIM 617280.

Allele frequency attached by ClinVar (database versions not stated): gnomAD exomes below 0.00001; gnomAD 0.00001; TOPMed 0.00001.
gnomAD v4.1: 5 of 1,614,026 alleles (0.00031%); highest among the groups gnomAD compares: Non-Finnish European, 0.00042%; no homozygotes.

Submission:

Labcorp Genetics (formerly Invitae), Labcorp
Classification: Uncertain significance for Atrial fibrillation, familial, 18. Last evaluated: 2025-03-12. Review status: criteria provided, single submitter. Criteria: Invitae Variant Classification Sherloc (09022015). Collection method: clinical testing. Allele origin: germline.
Comment: This sequence change replaces valine, which is neutral and non-polar, with alanine, which is neutral and non-polar, at codon 44 of the MYL4 protein (p.Val44Ala). This variant is present in population databases (no rsID available, gnomAD 0.007%). This variant has not been reported in the literature in individuals affected with MYL4-related conditions. ClinVar contains an entry for this variant (Variation ID: 854808). An algorithm developed to predict the effect of missense changes on protein structure and function (PolyPhen-2) suggests that this variant is likely to be tolerated. In summary, the available evidence is currently insufficient to determine the role of this variant in disease. Therefore, it has been classified as a Variant of Uncertain Significance.

NM_002476.2(MYL4):c.131T>C (p.Val44Ala)

Gene: MYL4 (myosin light chain 4; plus strand). Cytogenetic location: 17q21.32.
Variant type: single nucleotide variant.
Coding change: c.131T>C on transcript NM_002476.2 (MANE Select); coding-DNA position 131, T replaced by C.
Protein change: p.Val44Ala; replaces valine 44 with alanine.
Molecular consequence: missense variant.
Genome position (GRCh38, 1-based): chr17:47,209,553, T>C. VCF-style: chr17-47209553-T-C. GRCh37 (hg19) VCF-style: chr17-45286919-T-C.
Other names: c.131T>C, p.Val44Ala (NM_001002841.2); short protein forms V44A.
Identifiers: ClinVar variation 854808 (VCV000854808.9), dbSNP rs1454098257, ClinGen allele CA400031283.